The following is an entry in ClinVar:

NM_017752.3(TBC1D8B):c.427G>A (p.Ala143Thr)

Gene: TBC1D8B (TBC1 domain family member 8B; plus strand). Cytogenetic location: Xq22.3.
Variant type: single nucleotide variant.
Coding change: c.427G>A on transcript NM_017752.3 (MANE Select); coding-DNA position 427, G replaced by A.
Protein change: p.Ala143Thr; replaces alanine 143 with threonine.
Molecular consequence: missense variant.
Genome position (GRCh38, 1-based): chrX:106,822,043, G>A. VCF-style: chrX-106822043-G-A. GRCh37 (hg19) VCF-style: chrX-106065273-G-A.
Other names: p.Ala143Thr; c.427G>A (NM_017752.2); c.427G>A, p.Ala143Thr (NM_198881.2); short protein forms A143T.
Identifiers: ClinVar variation 2073080 (VCV002073080.7), dbSNP rs141400138, ClinGen allele CA10482956.
Genomic context (GRCh38, chrX:106,822,043, plus strand): 5'-ATTGCTGAAGAGGGAAAACATTGTTTTGCAAAAGAAGATGATCCTGAGAAATTTCGAGAA[G>A]CCCTTTTGAAATTTGAAAAATGTTTTGGTTTACCAGAGAAGGAGAAGTTAGTGACCTATT-3'
Protein context (NP_060222.2, residues 133-153): KEDDPEKFRE[Ala143Thr]LLKFEKCFGL

ClinVar aggregate classification (germline): Uncertain significance. Review status: criteria provided, multiple submitters, no conflicts (2 of 4 stars). 3 submissions from 3 submitters: Uncertain significance (2). 1 of the submissions does not count toward it. Last evaluated 2025-06-12.

Conditions:
TBC1D8B-related disorder. Also called: TBC1D8B-related condition.

Allele frequency attached by ClinVar (database versions not stated): gnomAD exomes 0.00002; ExAC 0.00007; gnomAD 0.00021; TOPMed 0.00025; ESP Exome Variant Server 0.00038.

Submissions (3):

Labcorp Genetics (formerly Invitae), Labcorp
Classification: Uncertain significance. Last evaluated: 2025-06-12. Review status: criteria provided, single submitter. Criteria: Invitae Variant Classification Sherloc (09022015). Collection method: clinical testing. Allele origin: germline.
Comment: This sequence change replaces alanine, which is neutral and non-polar, with threonine, which is neutral and polar, at codon 143 of the TBC1D8B protein (p.Ala143Thr). This variant is present in population databases (rs141400138, gnomAD 0.06%), and has an allele count higher than expected for a pathogenic variant. This variant has not been reported in the literature in individuals affected with TBC1D8B-related conditions. ClinVar contains an entry for this variant (Variation ID: 2073080). An algorithm developed to predict the effect of missense changes on protein structure and function outputs the following: PolyPhen-2: "Possibly Damaging". The threonine amino acid residue is found in multiple mammalian species, which suggests that this missense change does not adversely affect protein function. In summary, the available evidence is currently insufficient to determine the role of this variant in disease. Therefore, it has been classified as a Variant of Uncertain Significance.

Mayo Clinic Laboratories, Mayo Clinic
Classification: Uncertain significance. Last evaluated: 2025-06-05. Review status: criteria provided, single submitter. Criteria: ACMG Guidelines, 2015. Collection method: clinical testing. Allele origin: germline. Observed: 1 variant allele.
Comment: BP4_moderate

PreventionGenetics, part of Exact Sciences
Classification: Likely benign for TBC1D8B-related condition. Last evaluated: 2023-12-04. Review status: no assertion criteria provided. Collection method: clinical testing. Allele origin: germline. Not counted in ClinVar's aggregate classification.
Comment: This variant is classified as likely benign based on ACMG/AMP sequence variant interpretation guidelines (Richards et al. 2015 PMID: 25741868, with internal and published modifications).